The following is an entry in ClinVar:

NM_020366.4(RPGRIP1):c.2917G>A (p.Val973Ile)

Gene: RPGRIP1 (RPGR interacting protein 1; plus strand). Cytogenetic location: 14q11.2.
Variant type: single nucleotide variant.
Coding change: c.2917G>A on transcript NM_020366.4 (MANE Select); coding-DNA position 2917, G replaced by A.
Protein change: p.Val973Ile; replaces valine 973 with isoleucine.
Molecular consequence: missense variant.
Genome position (GRCh38, 1-based): chr14:21,328,445, G>A. VCF-style: chr14-21328445-G-A. GRCh37 (hg19) VCF-style: chr14-21796604-G-A.
Other names: c.895G>A, p.Val299Ile (NM_001377523.1, NM_001377950.1); c.1843G>A, p.Val615Ile (NM_001377948.1); c.1003G>A, p.Val335Ile (NM_001377949.1); c.397G>A, p.Val133Ile (NM_001377951.1); short protein forms V133I, V615I, V973I, V335I, V299I.
Identifiers: ClinVar variation 2084574 (VCV002084574.5), dbSNP rs1048389828, ClinGen allele CA257536357.
Genomic context (GRCh38, chr14:21,328,445, plus strand): 5'-CTACCAGCTTGTAATGCTATCTCTGATCTTTCTATTCAGGATCAGATGGCATCTCCTGAG[G>A]TTCCCATTGAAGCTGGCCAGTATCGATCTAAGAGAAAACCTCCTCATGGGGGAGAAAGAA-3'
Protein context (NP_065099.3, residues 963-983): PSQDQMASPE[Val973Ile]PIEAGQYRSK

ClinVar aggregate classification (germline): Uncertain significance. Review status: criteria provided, multiple submitters, no conflicts (2 of 4 stars). 2 submissions from 2 submitters: Uncertain significance (2). Last evaluated 2024-07-31.

Conditions:
Leber congenital amaurosis 6 (LCA6). Identifiers: Orphanet 65, MedGen C1854260, MONDO:0013446, OMIM 613826.
Cone-rod dystrophy 13 (CORD13). Identifiers: Orphanet 1872, MedGen C2750720, MONDO:0011987, OMIM 608194.

Allele frequency attached by ClinVar (database versions not stated): gnomAD exomes below 0.00001; TOPMed below 0.00001.
gnomAD v4.1: 3 of 1,613,110 alleles (0.00019%); highest among the groups gnomAD compares: East Asian, 0.0022%; no homozygotes.

Submissions (2):

Blueprint Genetics
Classification: Uncertain significance. Last evaluated: 2024-07-31. Review status: criteria provided, single submitter. Criteria: ACMG Guidelines, 2015. Collection method: clinical testing. Allele origin: germline.

Labcorp Genetics (formerly Invitae), Labcorp
Classification: Uncertain significance for Leber congenital amaurosis 6; Cone-rod dystrophy 13. Last evaluated: 2021-12-22. Review status: criteria provided, single submitter. Criteria: Invitae Variant Classification Sherloc (09022015). Collection method: clinical testing. Allele origin: germline.
Comment: In summary, the available evidence is currently insufficient to determine the role of this variant in disease. Therefore, it has been classified as a Variant of Uncertain Significance. Algorithms developed to predict the effect of missense changes on protein structure and function output the following: SIFT: "Tolerated"; PolyPhen-2: "Benign"; Align-GVGD: "Class C0". The isoleucine amino acid residue is found in multiple mammalian species, which suggests that this missense change does not adversely affect protein function. This variant has not been reported in the literature in individuals affected with RPGRIP1-related conditions. This variant is not present in population databases (gnomAD no frequency). This sequence change replaces valine, which is neutral and non-polar, with isoleucine, which is neutral and non-polar, at codon 973 of the RPGRIP1 protein (p.Val973Ile).